The following is an entry in ClinVar:

ClinVar aggregate classification (germline): Pathogenic (1 of 4 stars; one submission).

Conditions:
Short-rib thoracic dysplasia 11 with or without polydactyly (SRTD11). Also called: SHORT-RIB THORACIC DYSPLASIA 11 WITHOUT POLYDACTYLY. Identifiers: Orphanet 474, Orphanet 93271, MedGen C3810200, MONDO:0014287, OMIM 615633.

Allele frequency attached by ClinVar (database versions not stated): TOPMed below 0.00001; gnomAD 0.00001.

Submission:

Labcorp Genetics (formerly Invitae), Labcorp
Classification: Pathogenic for Short-rib thoracic dysplasia 11 with or without polydactyly. Last evaluated: 2022-10-14. Review status: criteria provided, single submitter. Criteria: Invitae Variant Classification Sherloc (09022015). Collection method: clinical testing. Allele origin: germline.
Comment: For these reasons, this variant has been classified as Pathogenic. This variant has not been reported in the literature in individuals affected with WDR34-related conditions. This variant is not present in population databases (gnomAD no frequency). This sequence change creates a premature translational stop signal (p.His82Argfs*22) in the WDR34 gene. It is expected to result in an absent or disrupted protein product. Loss-of-function variants in WDR34 are known to be pathogenic (PMID: 24183449, 24183451, 28379358).

Literature cited by the submitters: PubMed 24183449; PubMed 24183451; PubMed 28379358.

NM_052844.4(DYNC2I2):c.245_246del (p.His82fs)

Gene: DYNC2I2 (dynein 2 intermediate chain 2; minus strand). Cytogenetic location: 9q34.11.
Variant type: Deletion.
Coding change: c.245_246del on transcript NM_052844.4 (MANE Select); coding-DNA positions 245 to 246, 2 bases deleted (AT; older notation c.245_246delAT).
Protein change: p.His82fs; shifts the reading frame from histidine 82.
Molecular consequence: frameshift variant.
Genome position (GRCh38, 1-based): chr9:128,640,880-128,640,881, AT deleted on the plus strand (AT on the coding strand, the reverse complement: DYNC2I2 is on the minus strand). VCF-style (leftmost placement, unchanged base first): chr9-128640879-CAT-C. GRCh37 (hg19) VCF-style: chr9-131403158-CAT-C.
Other names: short protein forms H82fs.
Identifiers: ClinVar variation 2135286 (VCV002135286.4), dbSNP rs1860503169, ClinGen allele CA1129347724.